The following is an entry in ClinVar:

ClinVar aggregate classification (germline): Benign/Likely benign. Review status: criteria provided, multiple submitters, no conflicts (2 of 4 stars). 17 submissions from 16 submitters: Benign (11); Likely benign (1). 5 of the submissions do not count toward it. Last evaluated 2026-02-03.

Conditions:
Cardiovascular phenotype. Identifiers: MedGen CN230736.
Cardiomyopathy (CMYO). Also called: Cardiomyopathies. Identifiers: Orphanet 167848, MedGen C0878544, MONDO:0004994, HP:0001638. Inheritance: Various modes of inheritance.
Catecholaminergic polymorphic ventricular tachycardia 1. Also called: VENTRICULAR TACHYCARDIA, CATECHOLAMINERGIC POLYMORPHIC, 1, WITH OR WITHOUT ATRIAL DYSFUNCTION AND/OR DILATED CARDIOMYOPATHY; RYR2-Related Catecholaminergic Polymorphic Ventricular Tachycardia; VENTRICULAR TACHYCARDIA, STRESS-INDUCED POLYMORPHIC 1. Identifiers: Orphanet 3286, MedGen C1631597, MONDO:0011484, OMIM 604772.
Arrhythmogenic right ventricular dysplasia 2. Identifiers: MedGen C1832931.

Allele frequency attached by ClinVar (database versions not stated): gnomAD exomes 0.00142 and 0.00365; ExAC 0.00436; gnomAD 0.01267 and 0.01335; ESP Exome Variant Server 0.01286; 1000 Genomes Project 0.01458; TOPMed 0.01498; 1000 Genomes Project 30x 0.01530.
gnomAD v4.1: 4,166 of 1,613,474 alleles (0.26%); highest among the groups gnomAD compares: African/African-American, 4%; 66 homozygotes.

Submissions (17):

Labcorp Genetics (formerly Invitae), Labcorp
Classification: Benign for Catecholaminergic polymorphic ventricular tachycardia 1. Last evaluated: 2026-02-03. Review status: criteria provided, single submitter. Criteria: Invitae Variant Classification Sherloc (09022015). Collection method: clinical testing. Allele origin: germline.

Molecular Diagnostic Laboratory for Inherited Cardiovascular Disease, Montreal Heart Institute
Classification: Likely benign. Last evaluated: 2025-04-09. Review status: criteria provided, single submitter. Criteria: ACMG Guidelines, 2015. Collection method: clinical testing. Allele origin: germline. Affected: no.

ARUP Laboratories, Molecular Genetics and Genomics, ARUP Laboratories
Classification: Benign. Last evaluated: 2024-12-12. Review status: criteria provided, single submitter. Criteria: ARUP Molecular Germline Variant Investigation Process 2024. Collection method: clinical testing. Allele origin: germline.

Color Diagnostics, LLC DBA Color Health
Classification: Benign for Cardiomyopathy. Last evaluated: 2018-03-09. Review status: criteria provided, single submitter. Criteria: ACMG Guidelines, 2015. Collection method: clinical testing. Allele origin: germline.

Illumina Laboratory Services, Illumina
Classification: Benign for Catecholaminergic polymorphic ventricular tachycardia 1. Last evaluated: 2018-01-12. Review status: criteria provided, single submitter. Criteria: ICSL Variant Classification Criteria 13 December 2019. Collection method: clinical testing. Allele origin: germline.
Comment: This variant was observed in the ICSL laboratory as part of a predisposition screen in an ostensibly healthy population. It had not been previously curated by ICSL or reported in the Human Gene Mutation Database (HGMD: prior to June 1st, 2018), and was therefore a candidate for classification through an automated scoring system. Utilizing variant allele frequency, disease prevalence and penetrance estimates, and inheritance mode, an automated score was calculated to assess if this variant is too frequent to cause the disease. Based on the score and internal cut-off values, a variant classified as benign is not then subjected to further curation. The score for this variant resulted in a classification of benign for this disease.

Illumina Laboratory Services, Illumina
Classification: Benign for Catecholaminergic polymorphic ventricular tachycardia 1. Last evaluated: 2018-01-12. Review status: criteria provided, single submitter. Criteria: ICSL Variant Classification Criteria 13 December 2019. Collection method: clinical testing. Allele origin: germline.
Comment: the same text as in the submission from Illumina Laboratory Services, Illumina above.

Mayo Clinic Laboratories, Mayo Clinic
Classification: Benign. Last evaluated: 2016-02-09. Review status: criteria provided, single submitter. Criteria: ACMG Guidelines, 2015. Collection method: clinical testing. Allele origin: germline. Observed: 20 variant alleles.

CHEO Genetics Diagnostic Laboratory, Children's Hospital of Eastern Ontario
Classification: Benign for Cardiomyopathy. Last evaluated: 2015-11-09. Review status: criteria provided, single submitter. Criteria: ACMG Guidelines, 2015. Collection method: clinical testing. Allele origin: germline. Study: Canadian Open Genetics Repository.

Ambry Genetics
Classification: Benign for Cardiovascular phenotype. Last evaluated: 2015-07-28. Review status: criteria provided, single submitter. Criteria: Ambry Variant Classification Scheme 2023. Collection method: clinical testing. Allele origin: germline.

GeneDx
Classification: Benign. Last evaluated: 2015-03-03. Review status: criteria provided, single submitter. Criteria: GeneDx Variant Classification Process June 2021. Collection method: clinical testing. Allele origin: germline. Affected: yes.

Laboratory for Molecular Medicine, Mass General Brigham Personalized Medicine
Classification: Benign. Last evaluated: 2012-05-22. Review status: criteria provided, single submitter. Criteria: LMM Criteria. Collection method: clinical testing. Allele origin: germline. Observed: 26 variant alleles.
Comment: 4.1% (123/3018) Afr Amer chrom (ESP)

Breakthrough Genomics
Classification: Benign. Review status: criteria provided, single submitter. Criteria: ACMG Guidelines, 2015. Collection method: not provided. Allele origin: germline. Inheritance: Autosomal dominant inheritance. Affected: yes.

Clinical Genetics DNA and cytogenetics Diagnostics Lab, Erasmus MC, Erasmus Medical Center
Classification: Benign. Review status: no assertion criteria provided. Collection method: clinical testing. Allele origin: germline. Affected: yes. Study: VKGL Data-share Consensus. Not counted in ClinVar's aggregate classification.

Clinical Genetics, Academic Medical Center
Classification: Benign. Review status: no assertion criteria provided. Collection method: clinical testing. Allele origin: germline. Affected: yes. Study: VKGL Data-share Consensus. Not counted in ClinVar's aggregate classification.

Diagnostic Laboratory, Department of Genetics, University Medical Center Groningen
Classification: Likely benign. Review status: no assertion criteria provided. Collection method: clinical testing. Allele origin: germline. Affected: yes. Study: VKGL Data-share Consensus. Not counted in ClinVar's aggregate classification.

Genome Diagnostics Laboratory, University Medical Center Utrecht
Classification: Benign. Review status: no assertion criteria provided. Collection method: clinical testing. Allele origin: germline. Affected: yes. Study: VKGL Data-share Consensus. Not counted in ClinVar's aggregate classification.

Joint Genome Diagnostic Labs from Nijmegen and Maastricht, Radboudumc and MUMC+
Classification: Benign. Review status: no assertion criteria provided. Collection method: clinical testing. Allele origin: germline. Affected: yes. Study: VKGL Data-share Consensus. Not counted in ClinVar's aggregate classification.

NM_001035.3(RYR2):c.6928+4G>A

Gene: RYR2 (ryanodine receptor 2; plus strand). Cytogenetic location: 1q43.
Variant type: single nucleotide variant.
Coding change: c.6928+4G>A on transcript NM_001035.3 (MANE Select); 4 bases into the intron after coding-DNA position 6928, G replaced by A.
Molecular consequence: intron variant.
Genome position (GRCh38, 1-based): chr1:237,638,496, G>A. VCF-style: chr1-237638496-G-A. GRCh37 (hg19) VCF-style: chr1-237801796-G-A.
Other names: p.?.
Identifiers: ClinVar variation 43820 (VCV000043820.47), dbSNP rs79862521, ClinGen allele CA010398.